The following is an entry in ClinVar:

NM_001384474.1(LOXHD1):c.5767C>G (p.Gln1923Glu)

Gene: LOXHD1 (lipoxygenase homology PLAT domains 1; minus strand). Cytogenetic location: 18q21.1.
Variant type: single nucleotide variant.
Coding change: c.5767C>G on transcript NM_001384474.1 (MANE Select); coding-DNA position 5767, C replaced by G.
Protein change: p.Gln1923Glu; replaces glutamine 1923 with glutamic acid.
Molecular consequence: missense variant.
Genome position (GRCh38, 1-based): chr18:46,505,949, G>C on the plus strand (C>G on the coding strand, the complement: LOXHD1 is on the minus strand). VCF-style: chr18-46505949-G-C. GRCh37 (hg19) VCF-style: chr18-44085912-G-C.
Other names: c.2434C>G, p.Gln812Glu (NM_001145472.3); c.484C>G, p.Gln162Glu (NM_001145473.3, NM_001173129.2); c.2146C>G, p.Gln716Glu (NM_001308013.2); c.5581C>G, p.Gln1861Glu (NM_144612.7); short protein forms Q1861E, Q162E, Q716E, Q812E, Q1923E.
Identifiers: ClinVar variation 595858 (VCV000595858.20), dbSNP rs377368588, ClinGen allele CA8952137.
Genomic context (GRCh38, chr18:46,505,949, plus strand): 5'-TGTCAGGGAAGTTGAATGTGTCCGTGTTGTTCCGCTCAAACTTGTTCCAGTTTGCCGACT[G>C]CTTCAGGGCCAGTGTCCCACTATCCCCGTTCTCCCCGAAGATGATGATGAACACGTTGGC-3'
Protein context (NP_001371403.1, residues 1913-1933): NGDSGTLALK[Gln1923Glu]SANWNKFERN

ClinVar aggregate classification (germline): Conflicting classifications of pathogenicity. Review status: criteria provided, conflicting classifications (1 of 4 stars). 7 submissions from 7 submitters: Uncertain significance (3); Likely benign (3). 1 of the submissions does not count toward it. Last evaluated 2026-01-28.

Conditions:
LOXHD1-related disorder. Also called: LOXHD1-related condition.
Autosomal recessive nonsyndromic hearing loss 77. Identifiers: Orphanet 90636, MedGen C2746083, MONDO:0013119, OMIM 613079.
Inborn genetic diseases. Identifiers: MedGen C0950123, MeSH D030342.

Allele frequency attached by ClinVar (database versions not stated): 1000 Genomes Project 30x 0.00031; 1000 Genomes Project 0.00040; ESP Exome Variant Server 0.00088; gnomAD 0.00119 and 0.00137; TOPMed 0.00153.
gnomAD v4.1: 356 of 1,552,164 alleles (0.023%); highest among the groups gnomAD compares: African/African-American, 0.46%; no homozygotes.

Submissions (7):

Labcorp Genetics (formerly Invitae), Labcorp
Classification: Likely benign. Last evaluated: 2026-01-28. Review status: criteria provided, single submitter. Criteria: Invitae Variant Classification Sherloc (09022015). Collection method: clinical testing. Allele origin: germline.

PreventionGenetics, part of Exact Sciences
Classification: Likely benign for LOXHD1-related condition. Last evaluated: 2025-06-23. Review status: criteria provided, single submitter. Criteria: ACMG Guidelines, 2015. Collection method: clinical testing. Allele origin: germline.
Comment: This variant is classified as likely benign based on ACMG/AMP sequence variant interpretation guidelines (Richards et al. 2015 PMID: 25741868, with internal and published modifications).

Blueprint Genetics
Classification: Uncertain significance. Last evaluated: 2024-08-20. Review status: criteria provided, single submitter. Criteria: ACMG Guidelines, 2015. Collection method: clinical testing. Allele origin: germline.

Women's Health and Genetics/Laboratory Corporation of America, LabCorp
Classification: Likely benign. Last evaluated: 2023-09-11. Review status: criteria provided, single submitter. Criteria: LabCorp Variant Classification Summary - May 2015. Collection method: clinical testing. Allele origin: germline.
Comment: Variant summary: LOXHD1 c.5581C>G (p.Gln1861Glu) results in a conservative amino acid change in the encoded protein sequence. Five of five in-silico tools predict a benign effect of the variant on protein function. The variant allele was found at a frequency of 0.0004 in 189808 control chromosomes (gnomAD), predominantly at a frequency of 0.0043 within the African or African-American subpopulation in the gnomAD database. The observed variant frequency within African or African-American control individuals in the gnomAD database is approximately 4 fold of the estimated maximal expected allele frequency for a pathogenic variant in LOXHD1 causing Nonsyndromic Hearing Loss And Deafness, Type 77 (0.0011), strongly suggesting that the variant is a benign polymorphism found primarily in populations of African or African-American origin. To our knowledge, no occurrence of c.5581C>G in individuals affected with Nonsyndromic Hearing Loss And Deafness, Type 77 and no experimental evidence demonstrating its impact on protein function have been reported. Four ClinVar submitters have assessed the variant since 2014: three classified the variant as uncertain significance, and one as likely benign. Based on the evidence outlined above, the variant was classified as likely benign.

Ambry Genetics
Classification: Uncertain significance for Inborn genetic diseases. Last evaluated: 2021-08-04. Review status: criteria provided, single submitter. Criteria: Ambry Variant Classification Scheme 2023. Collection method: clinical testing. Allele origin: germline.

Eurofins Ntd Llc (ga)
Classification: Uncertain significance. Last evaluated: 2018-02-01. Review status: criteria provided, single submitter. Criteria: EGL Classification Definitions 2015. Collection method: clinical testing. Allele origin: germline. Observed: 1 variant allele, 1 heterozygote.

Natera, Inc.
Classification: Uncertain significance for Autosomal recessive deafness type 77. Last evaluated: 2019-10-28. Review status: no assertion criteria provided. Collection method: clinical testing. Allele origin: germline. Not counted in ClinVar's aggregate classification.